The following is an entry in ClinVar:

NM_000179.3(MSH6):c.656G>C (p.Ser219Thr)

Gene: MSH6 (mutS homolog 6; plus strand). Cytogenetic location: 2p16.3.
Variant type: single nucleotide variant.
Coding change: c.656G>C on transcript NM_000179.3 (MANE Select); coding-DNA position 656, G replaced by C.
Protein change: p.Ser219Thr; replaces serine 219 with threonine.
Molecular consequence: missense variant. On other transcripts: 5 prime UTR variant (2).
Genome position (GRCh38, 1-based): chr2:47,798,639, G>C. VCF-style: chr2-47798639-G-C. GRCh37 (hg19) VCF-style: chr2-48025778-G-C.
Other names: c.266G>C, p.Ser89Thr (NM_001281492.2); c.-251G>C (NM_001281493.2, NM_001281494.2); short protein forms S219T, S89T.
Identifiers: ClinVar variation 1189289 (VCV001189289.4), dbSNP rs763060788, ClinGen allele CA346739332.

ClinVar aggregate classification (germline): Uncertain significance. Review status: criteria provided, multiple submitters, no conflicts (2 of 4 stars). 3 submissions from 3 submitters: Uncertain significance (3). Last evaluated 2025-06-19.

Conditions:
Hereditary cancer-predisposing syndrome. Also called: Hereditary neoplastic syndrome; Tumor predisposition; Neoplastic Syndromes, Hereditary; Hereditary Cancer Syndrome. Identifiers: Orphanet 140162, MedGen C0027672, MeSH D009386, MONDO:0015356.
Lynch syndrome. Identifiers: Orphanet 144, MedGen C4552100, MONDO:0005835. Disease mechanism: loss of function.

gnomAD v4.1: 1 of 1,612,224 alleles (0.000062%); no homozygotes.

Submissions (3):

Ambry Genetics
Classification: Uncertain significance for Hereditary cancer-predisposing syndrome. Last evaluated: 2025-06-19. Review status: criteria provided, single submitter. Criteria: Ambry Variant Classification Scheme 2023. Collection method: clinical testing. Allele origin: germline.
Comment: The p.S219T variant (also known as c.656G>C), located in coding exon 4 of the MSH6 gene, results from a G to C substitution at nucleotide position 656. The serine at codon 219 is replaced by threonine, an amino acid with similar properties. This amino acid position is conserved. In addition, this alteration is predicted to be tolerated by in silico analysis. Based on the available evidence, the clinical significance of this variant remains unclear.

All of Us Research Program, National Institutes of Health
Classification: Uncertain significance for Lynch syndrome. Last evaluated: 2024-08-06. Review status: criteria provided, single submitter. Criteria: ACMG Guidelines, 2015. Collection method: clinical testing. Allele origin: germline. Inheritance: Autosomal dominant inheritance. Observed: 1 variant allele, 1 heterozygote.
Comment: This study involves interpretation of variants in research participants for the purpose of population health screening. Participant phenotype was not available at the time of variant classification. Additional details can be found in publication PMID: 35346344, PMCID: PMC8962531

GeneDx
Classification: Uncertain significance. Last evaluated: 2019-04-23. Review status: criteria provided, single submitter. Criteria: GeneDx Variant Classification Process June 2021. Collection method: clinical testing. Allele origin: germline. Affected: yes.
Comment: Not observed in large population cohorts (Lek et al., 2016); In silico analysis, which includes protein predictors and evolutionary conservation, supports that this variant does not alter protein structure/function; Has not been previously published as pathogenic or benign to our knowledge